The following is an entry in ClinVar:

ClinVar aggregate classification (germline): Likely pathogenic (1 of 4 stars; one submission).

Conditions:
Glycogen storage disease IXd (GSD9D). Also called: GSD IXd; Muscle Phosphorylase Kinase Deficiency. Identifiers: Orphanet 715, MedGen C1845151, MONDO:0010362, OMIM 300559.

Submission:

Juno Genomics, Hangzhou Juno Genomics, Inc
Classification: Likely pathogenic for Glycogen storage disease IXd. Review status: criteria provided, single submitter. Criteria: ACMG Guidelines, 2015. Collection method: clinical testing. Allele origin: germline.
Comment: Absent from controls (or at extremely low frequency if recessive) in Genome Aggregation Database.;Null variant in a gene where loss of function (LOF) is a known mechanism of disease.

NM_002637.4(PHKA1):c.1989_1990delinsAAGTTGCTCGTGATCTAAA (p.Tyr663_Leu664delinsTer)

Gene: PHKA1 (phosphorylase kinase regulatory subunit alpha 1; minus strand). Cytogenetic location: Xq13.1.
Variant type: Indel.
Coding change: c.1989_1990delinsAAGTTGCTCGTGATCTAAA on transcript NM_002637.4 (MANE Select); coding-DNA positions 1989 to 1990, TT replaced by AAGTTGCTCGTGATCTAAA.
Protein change: p.Tyr663_Leu664delinsTer.
Molecular consequence: nonsense. On other transcripts: intron variant (2).
Genome position (GRCh38, 1-based): chrX:72,620,872-72,620,873, AA replaced by TTTAGATCACGAGCAACTT on the plus strand (TT replaced by AAGTTGCTCGTGATCTAAA on the coding strand, the reverse complement: PHKA1 is on the minus strand). VCF-style: chrX-72620872-AA-TTTAGATCACGAGCAACTT. GRCh37 (hg19) VCF-style: chrX-71840722-AA-TTTAGATCACGAGCAACTT.
Other names: c.1989_1990delinsAAGTTGCTCGTGATCTAAA, p.Tyr663_Leu664delinsTer (NM_001122670.2, NM_001431068.1, NM_001440787.1); c.1961-1568_1961-1567delinsAAGTTGCTCGTGATCTAAA (NM_001440788.1, NM_001172436.2).
Identifiers: ClinVar variation 5018905 (VCV005018905.2).
Genomic context (GRCh38, chrX:72,620,872, plus strand): 5'-CCTTCTGTGAGGTAGGGGCTAGTTTAGGATGGGGAGCAGTGTGCGCCAAAAGGTGATCTA[AA>TTTAGATCACGAGCAACTT]TAACGAGCAACTTCATCACCACAGCGAGCTGCAAGGTTAGTGGGGGGAGGGGGAAGAGAA-3'